The following is an entry in ClinVar:

NM_004612.4(TGFBR1):c.80_85del (p.Leu27_Leu28del)

Gene: TGFBR1 (transforming growth factor beta receptor 1; plus strand). Cytogenetic location: 9q22.33.
Variant type: Deletion.
Coding change: c.80_85del on transcript NM_004612.4 (MANE Select); coding-DNA positions 80 to 85, 6 bases deleted (TGCTCC; older notation c.80_85delTGCTCC).
Protein change: p.Leu27_Leu28del.
Molecular consequence: inframe deletion.
Genome position (GRCh38, 1-based): chr9:99,105,285-99,105,290, TGCTCC deleted; deleting any 6 consecutive bases within chr9:99,105,284-99,105,290 gives the same sequence; the c. name uses the placement nearest the transcript's 3' end. VCF-style (leftmost placement, unchanged base first): chr9-99105283-GCTGCTC-G. GRCh37 (hg19) VCF-style: chr9-101867565-GCTGCTC-G.
Other names: c.80_85del, p.Leu27_Leu28del (NM_001130916.3, NM_001306210.2); c.80_85delTGCTCC (NM_004612.2).
Identifiers: ClinVar variation 1369562 (VCV001369562.10), dbSNP rs2118166265, ClinGen allele CA2573144936.

ClinVar aggregate classification (germline): Uncertain significance. Review status: criteria provided, multiple submitters, no conflicts (2 of 4 stars). 3 submissions from 3 submitters: Uncertain significance (3). Last evaluated 2024-04-04.

Conditions:
Familial thoracic aortic aneurysm and aortic dissection (TAAD). Also called: Thoracic aortic aneurysms and dissections. Identifiers: Orphanet 91387, MedGen C4707243, MONDO:0019625.

Submissions (3):

Ambry Genetics
Classification: Uncertain significance for Familial thoracic aortic aneurysm and aortic dissection. Last evaluated: 2024-04-04. Review status: criteria provided, single submitter. Criteria: Ambry Variant Classification Scheme 2023. Collection method: clinical testing. Allele origin: germline.
Comment: The c.80_85delTGCTCC variant (also known as p.L27_L28del), located in coding exon 1 of the TGFBR1 gene, results from an in-frame TGCTCC deletion at nucleotide positions 80 to 85. This results in the in-frame deletion of two leucine residues at codons 27 and 28. This amino acid region is not well conserved in available vertebrate species. In addition, this alteration is predicted to be neutral by in silico analysis (Choi Y et al. PLoS ONE. 2012; 7(10):e46688). Based on the available evidence, the clinical significance of this alteration remains unclear.

Labcorp Genetics (formerly Invitae), Labcorp
Classification: Uncertain significance for Familial thoracic aortic aneurysm and aortic dissection. Last evaluated: 2023-12-11. Review status: criteria provided, single submitter. Criteria: Invitae Variant Classification Sherloc (09022015). Collection method: clinical testing. Allele origin: germline.
Comment: This variant, c.80_85del, results in the deletion of 2 amino acid(s) of the TGFBR1 protein (p.Leu27_Leu28del), but otherwise preserves the integrity of the reading frame. The frequency data for this variant in the population databases is considered unreliable, as metrics indicate insufficient coverage at this position in the gnomAD database. This variant has not been reported in the literature in individuals affected with TGFBR1-related conditions. ClinVar contains an entry for this variant (Variation ID: 1369562). Experimental studies and prediction algorithms are not available or were not evaluated, and the functional significance of this variant is currently unknown. In summary, the available evidence is currently insufficient to determine the role of this variant in disease. Therefore, it has been classified as a Variant of Uncertain Significance.

Women's Health and Genetics/Laboratory Corporation of America, LabCorp
Classification: Uncertain significance. Last evaluated: 2022-04-25. Review status: criteria provided, single submitter. Criteria: LabCorp Variant Classification Summary - May 2015. Collection method: clinical testing. Allele origin: germline.
Comment: Variant summary: TGFBR1 c.80_85delTGCTCC (p.Leu27_Leu28del) results in an in-frame deletion that is predicted to remove two amino acids from the encoded protein. The variant was absent in 464 control chromosomes. The available data on variant occurrences in the general population are insufficient to allow any conclusion about variant significance. To our knowledge, no occurrence of c.80_85delTGCTCC in individuals affected with Loeys-Dietz Syndrome and no experimental evidence demonstrating its impact on protein function have been reported. One clinical diagnostic laboratory has submitted clinical-significance assessments for this variant to ClinVar after 2014 without evidence for independent evaluation. One laboratory classified the variant as uncertain significance. Based on the evidence outlined above, the variant was classified as uncertain significance.